The following is an entry in ClinVar:

NM_001365951.3(KIF1B):c.4642C>G (p.Gln1548Glu)

Gene: KIF1B (kinesin family member 1B; plus strand). Cytogenetic location: 1p36.22.
Variant type: single nucleotide variant.
Coding change: c.4642C>G on transcript NM_001365951.3 (MANE Select); coding-DNA position 4642, C replaced by G.
Protein change: p.Gln1548Glu; replaces glutamine 1548 with glutamic acid.
Molecular consequence: missense variant.
Genome position (GRCh38, 1-based): chr1:10,365,538, C>G. VCF-style: chr1-10365538-C-G. GRCh37 (hg19) VCF-style: chr1-10425596-C-G.
Other names: c.4642C>G, p.Gln1548Glu (NM_001365952.1); c.4504C>G, p.Gln1502Glu (NM_015074.3); short protein forms Q1548E, Q1502E.
Identifiers: ClinVar variation 876138 (VCV000876138.11), dbSNP rs1331941619, ClinGen allele CA338322103.

ClinVar aggregate classification (germline): Uncertain significance. Review status: criteria provided, multiple submitters, no conflicts (2 of 4 stars). 4 submissions from 4 submitters: Uncertain significance (4). Last evaluated 2025-06-17.

Conditions:
Charcot-Marie-Tooth disease type 2. Also called: Charcot-Marie-Tooth type 2. Identifiers: Orphanet 64746, MedGen C0270914, MONDO:0018993.
Neuroblastoma (NB). Identifiers: Orphanet 635, MedGen C0027819, MeSH D009447, MONDO:0005072, HP:0003006.
Neuroblastoma, susceptibility to, 1. Identifiers: MedGen C2749485, MONDO:0009741, OMIM 256700.

Allele frequency attached by ClinVar (database versions not stated): gnomAD exomes 0.00001.
gnomAD v4.1: 3 of 1,614,168 alleles (0.00019%); highest among the groups gnomAD compares: Non-Finnish European, 0.00025%; no homozygotes.

Submissions (4):

St. Jude Molecular Pathology, St. Jude Children's Research Hospital
Classification: Uncertain significance for Neuroblastoma, susceptibility to, 1. Last evaluated: 2025-06-17. Review status: criteria provided, single submitter. Criteria: St. Jude Assertion Criteria 2020. Collection method: clinical testing. Allele origin: germline.
Comment: The KIF1B c.4504C>G p.(Gln1502Glu) missense change has a maximum subpopulation frequency of 0.003% in gnomAD v2.1.1. The in silico tool REVEL predicts a benign effect on protein function, but to our knowledge this prediction has not been confirmed by functional studies. To our knowledge, this variant has not been reported in individuals with pheochromocytoma or neuroblastoma. In summary, the evidence currently available is insufficient to determine the clinical significance of this variant. It has therefore been classified as of uncertain significance.

Ambry Genetics
Classification: Uncertain significance. Last evaluated: 2025-05-16. Review status: criteria provided, single submitter. Criteria: Ambry Variant Classification Scheme 2023. Collection method: clinical testing. Allele origin: germline.
Comment: The p.Q1502E variant (also known as c.4504C>G), located in coding exon 40 of the KIF1B gene, results from a C to G substitution at nucleotide position 4504. The glutamine at codon 1502 is replaced by glutamic acid, an amino acid with highly similar properties. This amino acid position is highly conserved in available vertebrate species. In addition, this alteration is predicted to be tolerated by in silico analysis. Since supporting evidence is limited at this time, the clinical significance of this alteration remains unclear.

Labcorp Genetics (formerly Invitae), Labcorp
Classification: Uncertain significance for Charcot-Marie-Tooth disease type 2. Last evaluated: 2024-02-01. Review status: criteria provided, single submitter. Criteria: Invitae Variant Classification Sherloc (09022015). Collection method: clinical testing. Allele origin: germline.
Comment: This sequence change replaces glutamine, which is neutral and polar, with glutamic acid, which is acidic and polar, at codon 1502 of the KIF1B protein (p.Gln1502Glu). This variant is present in population databases (no rsID available, gnomAD 0.003%). This variant has not been reported in the literature in individuals affected with KIF1B-related conditions. ClinVar contains an entry for this variant (Variation ID: 876138). An algorithm developed to predict the effect of missense changes on protein structure and function (PolyPhen-2) suggests that this variant is likely to be disruptive. In summary, the available evidence is currently insufficient to determine the role of this variant in disease. Therefore, it has been classified as a Variant of Uncertain Significance.

Illumina Laboratory Services, Illumina
Classification: Uncertain significance for Neuroblastoma. Last evaluated: 2018-01-13. Review status: criteria provided, single submitter. Criteria: ICSL Variant Classification Criteria 13 December 2019. Collection method: clinical testing. Allele origin: germline.